The following is an entry in ClinVar:

ClinVar aggregate classification (germline): Uncertain significance (1 of 4 stars; one submission).

Conditions:
Hereditary cancer-predisposing syndrome. Also called: Neoplastic Syndromes, Hereditary; Tumor predisposition; Hereditary Cancer Syndrome; Hereditary neoplastic syndrome. Identifiers: Orphanet 140162, MedGen C0027672, MeSH D009386, MONDO:0015356.

Submission:

Ambry Genetics
Classification: Uncertain significance for Hereditary cancer-predisposing syndrome. Last evaluated: 2025-10-26. Review status: criteria provided, single submitter. Criteria: Ambry Variant Classification Scheme 2023. Collection method: clinical testing. Allele origin: germline.
Comment: The p.E1359Q variant (also known as c.4075G>C), located in coding exon 10 of the MSH6 gene, results from a G to C substitution at nucleotide position 4075. The glutamic acid at codon 1359 is replaced by glutamine, an amino acid with highly similar properties. This amino acid position is conserved. In addition, this alteration is predicted to be tolerated by in silico analysis. Based on the available evidence, the clinical significance of this variant remains unclear.

NM_000179.3(MSH6):c.4075G>C (p.Glu1359Gln)

Gene: MSH6 (mutS homolog 6; plus strand). Cytogenetic location: 2p16.3.
Variant type: single nucleotide variant.
Coding change: c.4075G>C on transcript NM_000179.3 (MANE Select); coding-DNA position 4075, G replaced by C.
Protein change: p.Glu1359Gln; replaces glutamic acid 1359 with glutamine.
Molecular consequence: missense variant. On other transcripts: 3 prime UTR variant (5), non-coding transcript variant (5).
Genome position (GRCh38, 1-based): chr2:47,806,852, G>C. VCF-style: chr2-47806852-G-C. GRCh37 (hg19) VCF-style: chr2-48033991-G-C.
Other names: c.3550G>C, p.Glu1184Gln (NM_001406807.1, NM_001406799.1, NM_001406806.1); c.*56G>C (NM_001406808.1, NM_001406822.1, NM_001406801.1 and 1 more transcripts); c.4075G>C, p.Glu1359Gln (NM_001406809.1, NM_001406796.1); c.3169G>C, p.Glu1057Gln (NM_001406811.1, NM_001406812.1, NM_001406814.1 and 6 more transcripts); c.4081G>C, p.Glu1361Gln (NM_001406813.1); c.2509G>C, p.Glu837Gln (NM_001406817.1); c.3778G>C, p.Glu1260Gln (NM_001406818.1, NM_001406819.1, NM_001406821.1 and 8 more transcripts); c.3685G>C, p.Glu1229Gln (NM_001281492.2); and 9 more; short protein forms E1229Q, E1303Q, E1359Q, E1391Q, E1071Q, E1184Q, E1301Q, E1333Q.
Identifiers: ClinVar variation 4657910 (VCV004657910.1).